The following is an entry in ClinVar:

NM_000369.5(TSHR):c.1538C>T (p.Thr513Met)

Genes: TSHR (thyroid stimulating hormone receptor; plus strand), TSHR-AS1 (TSHR antisense RNA 1; minus strand). Cytogenetic location: 14q31.1.
Variant type: single nucleotide variant.
Coding change: c.1538C>T on transcript NM_000369.5 (MANE Select); coding-DNA position 1538, C replaced by T.
Protein change: p.Thr513Met; replaces threonine 513 with methionine.
Molecular consequence: missense variant.
Genome position (GRCh38, 1-based): chr14:81,143,596, C>T. VCF-style: chr14-81143596-C-T. GRCh37 (hg19) VCF-style: chr14-81609940-C-T.
Other names: short protein forms T513M.
Identifiers: ClinVar variation 3366475 (VCV003366475.8).

ClinVar aggregate classification (germline): Uncertain significance. Review status: criteria provided, multiple submitters, no conflicts (2 of 4 stars). 2 submissions from 2 submitters: Uncertain significance (2). Last evaluated 2025-03-01.

gnomAD v4.1: 9 of 1,613,584 alleles (0.00056%); highest among the groups gnomAD compares: South Asian, 0.0033%; no homozygotes.

Submissions (2):

CeGaT Center for Human Genetics Tuebingen
Classification: Uncertain significance. Last evaluated: 2025-03-01. Review status: criteria provided, single submitter. Criteria: CeGaT Center For Human Genetics Tuebingen Variant Classification Criteria Version 2. Collection method: clinical testing. Allele origin: germline. Affected: yes. Observed: 1 variant allele.
Comment: TSHR: PM2, PM1:Supporting, PP3

Women's Health and Genetics/Laboratory Corporation of America, LabCorp
Classification: Uncertain significance. Last evaluated: 2024-08-06. Review status: criteria provided, single submitter. Criteria: LabCorp Variant Classification Summary - May 2015. Collection method: clinical testing. Allele origin: germline.
Comment: Variant summary: TSHR c.1538C>T (p.Thr513Met) results in a non-conservative amino acid change in the encoded protein sequence. Five of five in-silico tools predict a damaging effect of the variant on protein function. The variant allele was found at a frequency of 8e-06 in 251026 control chromosomes. The available data on variant occurrences in the general population are insufficient to allow any conclusion about variant significance. c.1538C>T has been reported in the literature in multiple individuals affected with congenital hypothyroidism without reported genotypes (e.g. Gong_2022, Li_2023, Zhang_2023). These reports do not provide unequivocal conclusions about association of the variant with Hypothyroidism Due To TSH Receptor Mutations. To our knowledge, no experimental evidence demonstrating an impact on protein function has been reported. The following publications have been ascertained in the context of this evaluation (PMID: 36207832, 36125728, 37390946). No submitters have cited clinical-significance assessments for this variant to ClinVar. Based on the evidence outlined above, the variant was classified as uncertain significance.

Literature cited by the submitters: PubMed 36125728 (cited by Women's Health and Genetics/Laboratory Corporation of America, LabCorp); PubMed 37390946 (cited by Women's Health and Genetics/Laboratory Corporation of America, LabCorp); PubMed 36207832 (cited by Women's Health and Genetics/Laboratory Corporation of America, LabCorp).